The following is an entry in ClinVar:

ClinVar aggregate classification (germline): Uncertain significance (1 of 4 stars; one submission).

Submission:

GeneDx
Classification: Uncertain significance. Last evaluated: 2014-05-16. Review status: criteria provided, single submitter. Criteria: GeneDx Variant Classification (06012015). Collection method: clinical testing. Allele origin: germline. Affected: yes.
Comment: c.141_143dupCGG: p.Gly48dup (G48dup) in exon 1 of the SLC9A6 gene (NM_006359.2). The normal sequence with the duplicated bases in braces is: GCGG{CGG}AGAG.The c.141_143dupCGG variant has not been published as a mutation, nor has it been reported as a benign polymorphism to our knowledge. It results in an in-frame duplication of a single Glycine residue in a region of the protein that is poorly conserved. It was not observed in approximately 6,500 individuals of European and African American ancestry in the NHLBI Exome Sequencing Project, indicating it is not a common benign variant in these populations. Therefore, based on the currently available information, it is unclear whether c.141_143dupCGG is a disease-causing mutation or a rare benign variant. The variant is found in EPILEPSY panel(s).

NM_001379110.1(SLC9A6):c.-25CGG[5]

Gene: SLC9A6 (solute carrier family 9 member A6; plus strand). Cytogenetic location: Xq26.3.
Variant type: Microsatellite.
Coding change: c.-25CGG[5] on transcript NM_001379110.1 (MANE Select); five copies in a row of the 3-base unit CGG starting at c.-25; the reference has four copies in a row; one copy, 3 bases duplicated.
Molecular consequence: 5 prime UTR variant. On other transcripts: inframe insertion (2).
Genome position (GRCh38, 1-based): chrX:135,985,643-135,985,645, CGG duplicated; duplicating any 3 consecutive bases within chrX:135,985,634-135,985,645 gives the same sequence; the position shown is the placement nearest the transcript's 3' end. VCF-style (leftmost placement, unchanged base first): chrX-135985633-A-ACGG. GRCh37 (hg19) VCF-style: chrX-135067792-A-ACGG.
Other names: c.132CGG[5], p.Gly48dup (NM_001042537.2, NM_006359.3); c.-25CGG[5] (NM_001177651.2, NM_001330652.2).
Identifiers: ClinVar variation 207250 (VCV000207250.1), dbSNP rs796053292, ClinGen allele CA318540.
Genomic context (GRCh38, chrX:135,985,633, plus strand): 5'-TCATGCGGCCCCTTTGGTTGCTCCTCGCAGTGGGCGTCTTTGACTGGGCAGGGGCTTCGG[A>ACGG]CGGCGGCGGCGGAGAGGCTAGAGCCATGGACGAGGAGATCGTGTCCGAGAAGCAAGCCGA-3'